The following is an entry in ClinVar:

ClinVar aggregate classification (germline): Benign. Review status: criteria provided, multiple submitters, no conflicts (2 of 4 stars). 4 submissions from 4 submitters: Benign (4). Last evaluated 2026-02-02.

Conditions:
Age related macular degeneration 1 (ARMD1). Also called: MACULOPATHY, AGE-RELATED, 1. Identifiers: MedGen C1864205, MONDO:0011285, OMIM 603075.

Allele frequency attached by ClinVar (database versions not stated): gnomAD exomes 0.00298 and 0.00790; ExAC 0.00976; gnomAD 0.03111 and 0.03312; ESP Exome Variant Server 0.03245; TOPMed 0.03416; 1000 Genomes Project 0.03674; 1000 Genomes Project 30x 0.03779.
gnomAD v4.1: 9,283 of 1,613,470 alleles (0.58%); highest among the groups gnomAD compares: African/African-American, 11%; 426 homozygotes.

Submissions (8):

Labcorp Genetics (formerly Invitae), Labcorp
Classification: Benign. Last evaluated: 2026-02-02. Review status: criteria provided, single submitter. Criteria: Invitae Variant Classification Sherloc (09022015). Collection method: clinical testing. Allele origin: germline.

Genome-Nilou Lab
Classification: Benign for Age related macular degeneration 1. Last evaluated: 2023-04-11. Review status: criteria provided, single submitter. Criteria: ACMG Guidelines, 2015. Collection method: clinical testing. Allele origin: germline. Affected: no.

Illumina Laboratory Services, Illumina
Classification: Benign for Age related macular degeneration 1. Last evaluated: 2018-01-13. Review status: criteria provided, single submitter. Criteria: ICSL Variant Classification Criteria 13 December 2019. Collection method: clinical testing. Allele origin: germline.
Comment: This variant was observed in the ICSL laboratory as part of a predisposition screen in an ostensibly healthy population. It had not been previously curated by ICSL or reported in the Human Gene Mutation Database (HGMD: prior to June 1st, 2018), and was therefore a candidate for classification through an automated scoring system. Utilizing variant allele frequency, disease prevalence and penetrance estimates, and inheritance mode, an automated score was calculated to assess if this variant is too frequent to cause the disease. Based on the score and internal cut-off values, a variant classified as benign is not then subjected to further curation. The score for this variant resulted in a classification of benign for this disease.

Breakthrough Genomics
Classification: Benign. Review status: criteria provided, single submitter. Criteria: ACMG Guidelines, 2015. Collection method: not provided. Allele origin: germline. Inheritance: Autosomal dominant inheritance. Affected: yes.

Dr. Peter K. Rogan Lab, Western University
No classification provided (evidence only). Condition: Lung cancer. Review status: no classification provided. Collection method: in vitro. Allele origin: not applicable. Functional consequence: retained intron. Not counted in ClinVar's aggregate classification.

Dr. Peter K. Rogan Lab, Western University
No classification provided (evidence only). Condition: Thyroid cancer, nonmedullary, 1. Review status: no classification provided. Collection method: in vitro. Allele origin: not applicable. Functional consequence: retained intron. Not counted in ClinVar's aggregate classification.

Dr. Peter K. Rogan Lab, Western University
No classification provided (evidence only). Condition: Nonpapillary renal cell carcinoma. Review status: no classification provided. Collection method: in vitro. Allele origin: not applicable. Functional consequence: retained intron. Not counted in ClinVar's aggregate classification.

Dr. Peter K. Rogan Lab, Western University
No classification provided (evidence only). Condition: Ovarian serous cystadenocarcinoma. Review status: no classification provided. Collection method: in vitro. Allele origin: not applicable. Functional consequence: retained intron. Not counted in ClinVar's aggregate classification.

NM_031935.3(HMCN1):c.2739G>C (p.Leu913=)

Gene: HMCN1 (hemicentin 1; plus strand). Cytogenetic location: 1q31.1.
Variant type: single nucleotide variant.
Coding change: c.2739G>C on transcript NM_031935.3 (MANE Select); coding-DNA position 2739, G replaced by C.
Protein change: p.Leu913=; no amino-acid change (leucine 913 retained).
Molecular consequence: synonymous variant.
Genome position (GRCh38, 1-based): chr1:185,982,338, G>C. VCF-style: chr1-185982338-G-C. GRCh37 (hg19) VCF-style: chr1-185951470-G-C.
Identifiers: ClinVar variation 294124 (VCV000294124.17), dbSNP rs35576281, ClinGen allele CA1291483.
Genomic context (GRCh38, chr1:185,982,338, plus strand): 5'-AATCAGCCCTTCAGTGGCCAATGTTATTGAAGGACAGCAGCTTACTTTGCCCTGTACTCT[G>C]TTAGCTGGAAATCCCATTCCAGAACGTCGGTGGATTAAGAATTCAGCTATGGTAAGAACA-3'
Protein context (NP_114141.2, residues 903-923): EGQQLTLPCT[Leu913=]LAGNPIPERR